The following is an entry in ClinVar:

NM_001615.4(ACTG2):c.1034C>G (p.Ser345Cys)

Gene: ACTG2 (actin gamma 2, smooth muscle; plus strand). Cytogenetic location: 2p13.1.
Variant type: single nucleotide variant.
Coding change: c.1034C>G on transcript NM_001615.4 (MANE Select); coding-DNA position 1034, C replaced by G.
Protein change: p.Ser345Cys; replaces serine 345 with cysteine.
Molecular consequence: missense variant.
Genome position (GRCh38, 1-based): chr2:73,919,478, C>G. VCF-style: chr2-73919478-C-G. GRCh37 (hg19) VCF-style: chr2-74146605-C-G.
Other names: c.905C>G, p.Ser302Cys (NM_001199893.2); short protein forms S345C, S302C.
Identifiers: ClinVar variation 451698 (VCV000451698.2), dbSNP rs1553397067, ClinGen allele CA347295562.

ClinVar aggregate classification (germline): Uncertain significance (1 of 4 stars; one submission).

Submission:

GeneDx
Classification: Uncertain significance. Last evaluated: 2017-09-08. Review status: criteria provided, single submitter. Criteria: GeneDx Variant Classification (06012015). Collection method: clinical testing. Allele origin: germline. Affected: yes.
Comment: The S345C variant in the ACTG2 gene has not been reported previously as a pathogenic variant, nor as a benign variant, to our knowledge. The S345C variant is not observed in large population cohorts (Lek et al., 2016; 1000 Genomes Consortium et al., 2015; Exome Variant Server). The S345C variant is a non-conservative amino acid substitution, which is likely to impact secondary protein structure as these residues differ in polarity, charge, size and/or other properties. This substitution occurs at a position that is conserved across species and in silico analysis predicts this variant is probably damaging to the protein structure/function. We interpret S345C as a variant of uncertain significance.